The following is an entry in ClinVar:

ClinVar aggregate classification (germline): Likely benign (1 of 4 stars; one submission).

Allele frequency attached by ClinVar (database versions not stated): 1000 Genomes Project 30x 0.00016; 1000 Genomes Project 0.00020; gnomAD 0.00028; TOPMed 0.00034; gnomAD exomes 0.00057.
gnomAD v4.1: 650 of 1,232,314 alleles (0.053%); highest among the groups gnomAD compares: South Asian, 0.11%; no homozygotes.

Submission:

CeGaT Center for Human Genetics Tuebingen
Classification: Likely benign. Last evaluated: 2024-07-01. Review status: criteria provided, single submitter. Criteria: CeGaT Center For Human Genetics Tuebingen Variant Classification Criteria Version 2. Collection method: clinical testing. Allele origin: germline. Affected: yes. Observed: 2 variant alleles.
Comment: RALGAPA1: BP4, BP7

NM_001346249.2(RALGAPA1):c.3027A>G (p.Lys1009=)

Gene: RALGAPA1 (Ral GTPase activating protein catalytic subunit alpha 1; minus strand). Cytogenetic location: 14q13.2.
Variant type: single nucleotide variant.
Coding change: c.3027A>G on transcript NM_001346249.2 (MANE Select); coding-DNA position 3027, A replaced by G.
Protein change: p.Lys1009=; no amino-acid change (lysine 1009 retained).
Molecular consequence: synonymous variant. On other transcripts: intron variant (8).
Genome position (GRCh38, 1-based): chr14:35,689,384, T>C on the plus strand (A>G on the coding strand, the complement: RALGAPA1 is on the minus strand). VCF-style: chr14-35689384-T-C. GRCh37 (hg19) VCF-style: chr14-36158590-T-C.
Other names: c.2886A>G, p.Lys962= (NM_001330075.3, NM_001346248.2); c.2434+452A>G (NM_194301.4, NM_001346246.2, NM_014990.3 and 2 more transcripts); c.2575+452A>G (NM_001346247.2, NM_001283044.3, NM_001346245.2).
Identifiers: ClinVar variation 2644172 (VCV002644172.24), dbSNP rs553275136, ClinGen allele CA258879106.